The following is an entry in ClinVar:

ClinVar aggregate classification (germline): Conflicting classifications of pathogenicity. Review status: criteria provided, conflicting classifications (1 of 4 stars). 4 submissions from 4 submitters: Uncertain significance (1); Likely benign (2). 1 of the submissions does not count toward it. Last evaluated 2026-01-31.

Conditions:
PCNT-related disorder. Also called: PCNT-related condition.
Microcephalic osteodysplastic primordial dwarfism type II (MOPD2). Also called: Microcephalic osteodysplastic primordial dwarfism with tooth abnormalities; MOPD II; OSTEODYSPLASTIC PRIMORDIAL DWARFISM, TYPE II. Identifiers: Orphanet 2637, MedGen C0432246, MONDO:0008872, OMIM 210720.

Allele frequency attached by ClinVar (database versions not stated): gnomAD exomes 0.00009 and 0.00025; ExAC 0.00028; 1000 Genomes Project 0.00040; 1000 Genomes Project 30x 0.00047; gnomAD 0.00072 and 0.00076; TOPMed 0.00079; ESP Exome Variant Server 0.00131.
gnomAD v4.1: 249 of 1,613,928 alleles (0.015%); highest among the groups gnomAD compares: African/African-American, 0.29%; no homozygotes.

Submissions (4):

Labcorp Genetics (formerly Invitae), Labcorp
Classification: Likely benign. Last evaluated: 2026-01-31. Review status: criteria provided, single submitter. Criteria: Invitae Variant Classification Sherloc (09022015). Collection method: clinical testing. Allele origin: germline.

GeneDx
Classification: Likely benign. Last evaluated: 2015-04-20. Review status: criteria provided, single submitter. Criteria: GeneDx Variant Classification (06012015). Collection method: clinical testing. Allele origin: germline. Affected: yes.
Comment: This variant is considered likely benign or benign based on one or more of the following criteria: it is a conservative change, it occurs at a poorly conserved position in the protein, it is predicted to be benign by multiple in silico algorithms, and/or has population frequency not consistent with disease.

Genetic Services Laboratory, University of Chicago
Classification: Uncertain significance for Microcephalic osteodysplastic primordial dwarfism, type II. Last evaluated: 2014-05-01. Review status: criteria provided, single submitter. Criteria: ACMG Guidelines, 2015. Collection method: clinical testing. Allele origin: germline. Inheritance: Autosomal recessive inheritance.

PreventionGenetics, part of Exact Sciences
Classification: Likely benign for PCNT-related condition. Last evaluated: 2022-02-13. Review status: no assertion criteria provided. Collection method: clinical testing. Allele origin: germline. Not counted in ClinVar's aggregate classification.
Comment: This variant is classified as likely benign based on ACMG/AMP sequence variant interpretation guidelines (Richards et al. 2015 PMID: 25741868, with internal and published modifications).

NM_006031.6(PCNT):c.4844C>T (p.Thr1615Met)

Gene: PCNT (pericentrin; plus strand). Cytogenetic location: 21q22.3.
Variant type: single nucleotide variant.
Coding change: c.4844C>T on transcript NM_006031.6 (MANE Select); coding-DNA position 4844, C replaced by T.
Protein change: p.Thr1615Met; replaces threonine 1615 with methionine.
Molecular consequence: missense variant.
Genome position (GRCh38, 1-based): chr21:46,401,603, C>T. VCF-style: chr21-46401603-C-T. GRCh37 (hg19) VCF-style: chr21-47821517-C-T.
Other names: c.4490C>T, p.Thr1497Met (NM_001315529.2); short protein forms T1615M, T1497M.
Identifiers: ClinVar variation 159611 (VCV000159611.17), dbSNP rs139581644, ClinGen allele CA251074.